The following is an entry in ClinVar:

NM_000443.4(ABCB4):c.3670C>T (p.Arg1224Cys)

Gene: ABCB4 (ATP binding cassette subfamily B member 4; minus strand). Cytogenetic location: 7q21.12.
Variant type: single nucleotide variant.
Coding change: c.3670C>T on transcript NM_000443.4 (MANE Select); coding-DNA position 3670, C replaced by T.
Protein change: p.Arg1224Cys; replaces arginine 1224 with cysteine.
Molecular consequence: missense variant.
Genome position (GRCh38, 1-based): chr7:87,402,266, G>A on the plus strand (C>T on the coding strand, the complement: ABCB4 is on the minus strand). VCF-style: chr7-87402266-G-A. GRCh37 (hg19) VCF-style: chr7-87031582-G-A.
Other names: c.3691C>T, p.Arg1231Cys (NM_018849.3); c.3529C>T, p.Arg1177Cys (NM_018850.3); short protein forms R1177C, R1224C, R1231C.
Identifiers: ClinVar variation 4846597 (VCV004846597.1).
Genomic context (GRCh38, chr7:87,402,266, plus strand): 5'-CCACTATTAAGTCTGCATTCTGGATGGTGGACAGGCGGTGAGCAATCACAATGCAGGTGC[G>A]GCCTTCTCTGGCTTTGTCCAGGGCTTCTTGGACAACCTATTGATAAATCAGACAGACACC-3'
Protein context (NP_000434.1, residues 1214-1234): QEALDKAREG[Arg1224Cys]TCIVIAHRLS

ClinVar aggregate classification (germline): Uncertain significance (1 of 4 stars; one submission).

Conditions:
Low phospholipid associated cholelithiasis (GBD1). Also called: Gallbladder disease 1; Gallstone cholecystitis. Identifiers: Orphanet 69663, MedGen C2609268, MONDO:0010939, OMIM 600803.

gnomAD v4.1: 60 of 1,613,954 alleles (0.0037%); highest among the groups gnomAD compares: South Asian, 0.0099%; no homozygotes.

Submission:

Genomenon, Inc
Classification: Uncertain significance for Low phospholipid associated cholelithiasis. Last evaluated: 2026-04-14. Review status: criteria provided, single submitter. Criteria: Genomenon Sequence Variant Interpretation Standards - Updated. Collection method: curation. Allele origin: germline. Affected: yes.
Comment: ABCB4 p.Arg1224Cys (c.3670C>T) is a missense variant that changes the amino acid at residue 1224 from Arginine to Cysteine. This variant has been observed in at least one proband with an ABCB4-related disorder (PMID:32893960). It is absent or not present at a significant frequency in gnomAD. In silico models predict that this variant is possibly or probably damaging. In conclusion, we classify ABCB4 p.Arg1224Cys (c.3670C>T) as a variant of uncertain significance.

Literature cited by the submitters: PubMed 32893960.